The following is an entry in ClinVar:

NM_014989.7(RIMS1):c.1100A>C (p.Lys367Thr)

Gene: RIMS1 (regulating synaptic membrane exocytosis 1; plus strand). Cytogenetic location: 6q13.
Variant type: single nucleotide variant.
Coding change: c.1100A>C on transcript NM_014989.7 (MANE Select); coding-DNA position 1100, A replaced by C.
Protein change: p.Lys367Thr; replaces lysine 367 with threonine.
Molecular consequence: missense variant.
Genome position (GRCh38, 1-based): chr6:72,182,571, A>C. VCF-style: chr6-72182571-A-C. GRCh37 (hg19) VCF-style: chr6-72892274-A-C.
Other names: short protein forms K367T.
Identifiers: ClinVar variation 1362769 (VCV001362769.6), dbSNP rs2153970308, ClinGen allele CA364820258.
Genomic context (GRCh38, chr6:72,182,571, plus strand): 5'-AAGAGGAGGATTATCAGACCAGGTACCGCAGCGACCCGAACCTAGCTCGGTACCCGGTGA[A>C]ACCGCCGCCTGAGGAGCAGCAGATGCGCATGCACGCCCGGGTGTCCCGCGCCAGGCACGA-3'
Protein context (NP_055804.2, residues 357-377): SDPNLARYPV[Lys367Thr]PPPEEQQMRM

ClinVar aggregate classification (germline): Uncertain significance (1 of 4 stars; one submission).

gnomAD v4.1: 2 of 1,549,992 alleles (0.00013%); highest among the groups gnomAD compares: South Asian, 0.0012%; no homozygotes.

Submission:

Labcorp Genetics (formerly Invitae), Labcorp
Classification: Uncertain significance. Last evaluated: 2022-10-24. Review status: criteria provided, single submitter. Criteria: Invitae Variant Classification Sherloc (09022015). Collection method: clinical testing. Allele origin: germline.
Comment: This variant has not been reported in the literature in individuals affected with RIMS1-related conditions. In summary, the available evidence is currently insufficient to determine the role of this variant in disease. Therefore, it has been classified as a Variant of Uncertain Significance. Algorithms developed to predict the effect of missense changes on protein structure and function are either unavailable or do not agree on the potential impact of this missense change (SIFT: "Deleterious"; PolyPhen-2: "Benign"; Align-GVGD: "Class C0"). ClinVar contains an entry for this variant (Variation ID: 1362769). This variant is not present in population databases (gnomAD no frequency). This sequence change replaces lysine, which is basic and polar, with threonine, which is neutral and polar, at codon 367 of the RIMS1 protein (p.Lys367Thr).